The following is an entry in ClinVar:

NM_206933.4(USH2A):c.5865A>G (p.Gln1955=)

Gene: USH2A (usherin; minus strand). Cytogenetic location: 1q41.
Variant type: single nucleotide variant.
Coding change: c.5865A>G on transcript NM_206933.4 (MANE Select); coding-DNA position 5865, A replaced by G.
Protein change: p.Gln1955=; no amino-acid change (glutamine 1955 retained).
Molecular consequence: synonymous variant.
Genome position (GRCh38, 1-based): chr1:216,070,285, T>C on the plus strand (A>G on the coding strand, the complement: USH2A is on the minus strand). VCF-style: chr1-216070285-T-C. GRCh37 (hg19) VCF-style: chr1-216243627-T-C.
Other names: c.5865A>G (NM_206933.2).
Identifiers: ClinVar variation 1361652 (VCV001361652.9), dbSNP rs763291789, ClinGen allele CA1395312.

ClinVar aggregate classification (germline): Likely benign. Review status: criteria provided, multiple submitters, no conflicts (2 of 4 stars). 2 submissions from 2 submitters: Likely benign (2). Last evaluated 2025-12-10.

Conditions:
USH2A-related disorder. Also called: USH2A-related disorders; USH2A-related condition. Identifiers: MedGen CN239332.

Allele frequency attached by ClinVar (database versions not stated): ExAC 0.00001; TOPMed 0.00001; gnomAD exomes 0.00002 and 0.00003.
gnomAD v4.1: 10 of 1,613,886 alleles (0.00062%); highest among the groups gnomAD compares: Admixed American, 0.017%; no homozygotes.

Submissions (2):

Labcorp Genetics (formerly Invitae), Labcorp
Classification: Likely benign. Last evaluated: 2025-12-10. Review status: criteria provided, single submitter. Criteria: Invitae Variant Classification Sherloc (09022015). Collection method: clinical testing. Allele origin: germline.

PreventionGenetics, part of Exact Sciences
Classification: Likely benign for USH2A-related condition. Last evaluated: 2024-12-30. Review status: criteria provided, single submitter. Criteria: ACMG Guidelines, 2015. Collection method: clinical testing. Allele origin: germline.
Comment: This variant is classified as likely benign based on ACMG/AMP sequence variant interpretation guidelines (Richards et al. 2015 PMID: 25741868, with internal and published modifications).